The following is an entry in ClinVar:

ClinVar aggregate classification (germline): Likely benign. Review status: criteria provided, multiple submitters, no conflicts (2 of 4 stars). 3 submissions from 3 submitters: Likely benign (2). 1 of the submissions does not count toward it. Last evaluated 2018-01-18.

Conditions:
MYO1C-related disorder. Also called: MYO1C-related condition.

Allele frequency attached by ClinVar (database versions not stated): 1000 Genomes Project 30x 0.00094; 1000 Genomes Project 0.00100; gnomAD 0.00208 and 0.00210; gnomAD exomes 0.00239 and 0.00320; TOPMed 0.00252; ExAC 0.00310; ESP Exome Variant Server 0.00346.
gnomAD v4.1: 4,951 of 1,612,086 alleles (0.31%); highest among the groups gnomAD compares: Non-Finnish European, 0.38%; 9 homozygotes.

Submissions (3):

GeneDx
Classification: Likely benign. Last evaluated: 2018-01-18. Review status: criteria provided, single submitter. Criteria: GeneDx Variant Classification (06012015). Collection method: clinical testing. Allele origin: germline. Affected: yes.
Comment: This variant is considered likely benign or benign based on one or more of the following criteria: it is a conservative change, it occurs at a poorly conserved position in the protein, it is predicted to be benign by multiple in silico algorithms, and/or has population frequency not consistent with disease.

Breakthrough Genomics
Classification: Likely benign. Review status: criteria provided, single submitter. Criteria: ACMG Guidelines, 2015. Collection method: not provided. Allele origin: germline. Inheritance: Unknown mechanism. Affected: yes.

PreventionGenetics, part of Exact Sciences
Classification: Likely benign for MYO1C-related condition. Last evaluated: 2022-06-29. Review status: no assertion criteria provided. Collection method: clinical testing. Allele origin: germline. Not counted in ClinVar's aggregate classification.
Comment: This variant is classified as likely benign based on ACMG/AMP sequence variant interpretation guidelines (Richards et al. 2015 PMID: 25741868, with internal and published modifications).

NM_001080779.2(MYO1C):c.319G>A (p.Val107Ile)

Gene: MYO1C (myosin IC; minus strand). Cytogenetic location: 17p13.3.
Variant type: single nucleotide variant.
Coding change: c.319G>A on transcript NM_001080779.2 (MANE Select); coding-DNA position 319, G replaced by A.
Protein change: p.Val107Ile; replaces valine 107 with isoleucine.
Molecular consequence: missense variant.
Genome position (GRCh38, 1-based): chr17:1,483,638, C>T on the plus strand (G>A on the coding strand, the complement: MYO1C is on the minus strand). VCF-style: chr17-1483638-C-T. GRCh37 (hg19) VCF-style: chr17-1386932-C-T.
Other names: c.262G>A, p.Val88Ile (NM_001080950.2); c.247G>A, p.Val83Ile (NM_001363855.1); c.214G>A, p.Val72Ile (NM_033375.5); short protein forms V107I, V72I, V83I, V88I.
Identifiers: ClinVar variation 508145 (VCV000508145.4), dbSNP rs140549082, ClinGen allele CA8268094.